The following is an entry in ClinVar:

NM_004415.4(DSP):c.7960C>T (p.Gln2654Ter)

Gene: DSP (desmoplakin; plus strand). Cytogenetic location: 6p24.3.
Variant type: single nucleotide variant.
Coding change: c.7960C>T on transcript NM_004415.4 (MANE Select); coding-DNA position 7960, C replaced by T.
Protein change: p.Gln2654Ter; replaces glutamine 2654 with a stop codon.
Molecular consequence: nonsense.
Genome position (GRCh38, 1-based): chr6:7,585,222, C>T. VCF-style: chr6-7585222-C-T. GRCh37 (hg19) VCF-style: chr6-7585455-C-T.
Other names: c.6163C>T, p.Gln2055Ter (NM_001008844.3); c.6631C>T, p.Gln2211Ter (NM_001319034.2); short protein forms Q2055*, Q2211*, Q2654*.
Identifiers: ClinVar variation 2419977 (VCV002419977.5), dbSNP rs1379150952, ClinGen allele CA362694148.

ClinVar aggregate classification (germline): Pathogenic (1 of 4 stars; one submission).

Conditions:
Arrhythmogenic cardiomyopathy with wooly hair and keratoderma. Also called: Arrhythmogenic cardiomyopathy with woolly hair and keratoderma; Carvajal syndrome; Dilated cardiomyopathy with woolly hair and keratoderma; PALMOPLANTAR KERATODERMA WITH LEFT VENTRICULAR CARDIOMYOPATHY AND WOOLLY HAIR. Identifiers: Orphanet 65282, MedGen C1854063, MONDO:0011581, OMIM 605676.
Arrhythmogenic right ventricular dysplasia 8 (ARVD8). Also called: ARRHYTHMOGENIC RIGHT VENTRICULAR DYSPLASIA, FAMILIAL, 8; Arrhythmogenic Right Ventricular Dysplasia/Cardiomyopathy 8; ARRHYTHMOGENIC RIGHT VENTRICULAR CARDIOMYOPATHY 8. Identifiers: MedGen C1843896, MONDO:0011831, OMIM 607450.

Allele frequency attached by ClinVar (database versions not stated): gnomAD exomes below 0.00001; TOPMed below 0.00001; gnomAD 0.00001.
gnomAD v4.1: 2 of 1,614,044 alleles (0.00012%); highest among the groups gnomAD compares: African/African-American, 0.0013%; no homozygotes.

Submission:

Labcorp Genetics (formerly Invitae), Labcorp
Classification: Pathogenic for Arrhythmogenic cardiomyopathy with wooly hair and keratoderma; Arrhythmogenic right ventricular dysplasia 8. Last evaluated: 2022-05-16. Review status: criteria provided, single submitter. Criteria: Invitae Variant Classification Sherloc (09022015). Collection method: clinical testing. Allele origin: germline.
Comment: For these reasons, this variant has been classified as Pathogenic. This variant disrupts a region of the DSP protein in which other variant(s) (p.Glu2728Glyfs*11) have been determined to be pathogenic (Invitae). This suggests that this is a clinically significant region of the protein, and that variants that disrupt it are likely to be disease-causing. This variant has not been reported in the literature in individuals affected with DSP-related conditions. This variant is not present in population databases (gnomAD no frequency). This sequence change creates a premature translational stop signal (p.Gln2654*) in the DSP gene. While this is not anticipated to result in nonsense mediated decay, it is expected to disrupt the last 218 amino acid(s) of the DSP protein.